The following is an entry in ClinVar:

ClinVar aggregate classification (germline): Pathogenic (1 of 4 stars; one submission).

Submissions (2):

Quest Diagnostics Nichols Institute San Juan Capistrano
Classification: Pathogenic. Last evaluated: 2019-02-27. Review status: criteria provided, single submitter. Criteria: Quest Diagnostics criteria. Collection method: clinical testing. Allele origin: germline.
Comment: The variant disrupts the natural start codon, and is therefore predicted to result in the loss of a functional protein. Found in at least one symptomatic patient, and not found in general population data.

Brotman Baty Institute, University of Washington
No classification provided (evidence only). Condition: Breast-ovarian cancer, familial 1. Review status: no classification provided. Collection method: in vitro. Allele origin: not applicable. Functional consequence: functionally_abnormal. Not counted in ClinVar's aggregate classification.
ClinVar note: "not provided" was previously submitted as the classification for the variant. However, the classification appeared to be based only on an observation of functional data so it was converted to no classification on 2025-07-30.

NM_007294.4(BRCA1):c.2T>A (p.Met1Lys)

Gene: BRCA1 (BRCA1 DNA repair associated; minus strand). Cytogenetic location: 17q21.31.
Variant type: single nucleotide variant.
Coding change: c.2T>A on transcript NM_007294.4 (MANE Select); coding-DNA position 2, T replaced by A.
Protein change: p.Met1Lys; changes the start codon (methionine 1).
Molecular consequence: missense variant, initiator codon variant. On other transcripts: 5 prime UTR variant (1), non-coding transcript variant (1).
Genome position (GRCh38, 1-based): chr17:43,124,095, A>T on the plus strand (T>A on the coding strand, the complement: BRCA1 is on the minus strand). VCF-style: chr17-43124095-A-T. GRCh37 (hg19) VCF-style: chr17-41276112-A-T.
Other names: c.-187T>A (NM_001407571.1, NM_001407853.1, NM_001407879.1 and 46 more transcripts); c.2T>A, p.Met1Lys (NM_001407581.1, NM_001407582.1, NM_001407583.1 and 193 more transcripts); c.-256T>A (NM_001407694.1, NM_001407724.1, NM_001407727.1 and 11 more transcripts); c.-260T>A (NM_001407695.1, NM_001408465.1); c.-401T>A (NM_001407696.1); c.-285T>A (NM_001407697.1, NM_001407846.1, NM_001407920.1); c.-86T>A (NM_001407698.1, NM_001407732.1, NM_001407736.1 and 23 more transcripts); c.-259T>A (NM_001407725.1, NM_001407730.1, NM_001407734.1 and 22 more transcripts); and 8 more; short protein forms M1K.
Identifiers: ClinVar variation 801069 (VCV000801069.6), dbSNP rs80357111, ClinGen allele CA10602154.
Genomic context (GRCh38, chr17:43,124,095, plus strand): 5'-ATTTTCTGCATAGCATTAATGACATTTTGTACTTCTTCAACGCGAAGAGCAGATAAATCC[A>T]TTTCTTTCTGTTCCAATGAACTTTAACACATTAGAAAAACATATATATATATCTTTTTAA-3'
Protein context (NP_009225.1, residues 1-11): [Met1Lys]DLSALRVEEV